The following is an entry in ClinVar:

NM_000136.3(FANCC):c.1013A>G (p.Lys338Arg)

Genes: AOPEP (aminopeptidase O (putative); plus strand), FANCC (FA complementation group C; minus strand). Cytogenetic location: 9q22.32.
Variant type: single nucleotide variant.
Coding change: c.1013A>G on transcript NM_000136.3 (MANE Select); coding-DNA position 1013, A replaced by G.
Protein change: p.Lys338Arg; replaces lysine 338 with arginine.
Molecular consequence: missense variant.
Genome position (GRCh38, 1-based): chr9:95,117,374, T>C on the plus strand (A>G on the coding strand, the complement: FANCC is on the minus strand). VCF-style: chr9-95117374-T-C. GRCh37 (hg19) VCF-style: chr9-97879656-T-C.
Other names: c.1013A>G, p.Lys338Arg (NM_001243743.2, NM_001243744.2); short protein forms K338R.
Identifiers: ClinVar variation 4870945 (VCV004870945.1).

ClinVar aggregate classification (germline): Uncertain significance (1 of 4 stars; one submission).

Conditions:
Hereditary cancer-predisposing syndrome. Also called: Neoplastic Syndromes, Hereditary; Hereditary Cancer Syndrome; Hereditary neoplastic syndrome; Tumor predisposition. Identifiers: Orphanet 140162, MedGen C0027672, MeSH D009386, MONDO:0015356.

Submission:

Ambry Genetics
Classification: Uncertain significance for Hereditary cancer-predisposing syndrome. Last evaluated: 2026-04-08. Review status: criteria provided, single submitter. Criteria: Ambry Variant Classification Scheme 2023. Collection method: clinical testing. Allele origin: germline.
Comment: The p.K338R variant (also known as c.1013A>G), located in coding exon 10 of the FANCC gene, results from an A to G substitution at nucleotide position 1013. The lysine at codon 338 is replaced by arginine, an amino acid with highly similar properties. This amino acid position is conserved. In addition, this alteration is predicted to be tolerated by in silico analysis. Based on the available evidence, the clinical significance of this variant remains unclear.